The following is an entry in ClinVar:

ClinVar aggregate classification (germline): Uncertain significance. Review status: criteria provided, multiple submitters, no conflicts (2 of 4 stars). 3 submissions from 3 submitters: Uncertain significance (3). Last evaluated 2026-07-02.

Conditions:
Tuberous sclerosis 2 (TSC2). Identifiers: Orphanet 805, MedGen C1860707, MONDO:0013199, OMIM 613254.
Hereditary cancer-predisposing syndrome. Also called: Hereditary Cancer Syndrome; Tumor predisposition; Hereditary neoplastic syndrome; Neoplastic Syndromes, Hereditary. Identifiers: Orphanet 140162, MedGen C0027672, MeSH D009386, MONDO:0015356.

Submissions (3):

Ambry Genetics
Classification: Uncertain significance for Hereditary cancer-predisposing syndrome. Last evaluated: 2026-07-02. Review status: criteria provided, single submitter. Criteria: Ambry Variant Classification Scheme 2023. Collection method: clinical testing. Allele origin: germline.
Comment: The p.A950P variant (also known as c.2848G>C), located in coding exon 25 of the TSC2 gene, results from a G to C substitution at nucleotide position 2848. The alanine at codon 950 is replaced by proline, an amino acid with highly similar properties. This amino acid position is conserved. In addition, the in silico prediction for this alteration is inconclusive. Based on the available evidence, the clinical significance of this variant remains unclear.

Labcorp Genetics (formerly Invitae), Labcorp
Classification: Uncertain significance for Tuberous sclerosis 2. Last evaluated: 2022-09-19. Review status: criteria provided, single submitter. Criteria: Invitae Variant Classification Sherloc (09022015). Collection method: clinical testing. Allele origin: germline.
Comment: Advanced modeling of protein sequence and biophysical properties (such as structural, functional, and spatial information, amino acid conservation, physicochemical variation, residue mobility, and thermodynamic stability) performed at Invitae indicates that this missense variant is not expected to disrupt TSC2 protein function. ClinVar contains an entry for this variant (Variation ID: 318324). This variant has not been reported in the literature in individuals affected with TSC2-related conditions. This variant is not present in population databases (gnomAD no frequency). This sequence change replaces alanine, which is neutral and non-polar, with proline, which is neutral and non-polar, at codon 950 of the TSC2 protein (p.Ala950Pro). In summary, the available evidence is currently insufficient to determine the role of this variant in disease. Therefore, it has been classified as a Variant of Uncertain Significance.

Genome-Nilou Lab
Classification: Uncertain significance for Tuberous sclerosis 2. Last evaluated: 2021-11-07. Review status: criteria provided, single submitter. Criteria: ACMG Guidelines, 2015. Collection method: clinical testing. Allele origin: germline. Affected: no.

NM_000548.5(TSC2):c.2848G>C (p.Ala950Pro)

Gene: TSC2 (TSC complex subunit 2; plus strand). Cytogenetic location: 16p13.3.
Variant type: single nucleotide variant.
Coding change: c.2848G>C on transcript NM_000548.5 (MANE Select); coding-DNA position 2848, G replaced by C.
Protein change: p.Ala950Pro; replaces alanine 950 with proline.
Molecular consequence: missense variant. On other transcripts: intron variant (9).
Genome position (GRCh38, 1-based): chr16:2,077,608, G>C. VCF-style: chr16-2077608-G-C. GRCh37 (hg19) VCF-style: chr16-2127609-G-C.
Other names: c.2848G>C, p.Ala950Pro (NM_001114382.3); c.2837+1023G>C (NM_021055.3, NM_001370405.1, NM_001363528.2 and 2 more transcripts); c.2726+1023G>C (NM_001318827.2); c.2237+1023G>C (NM_001318831.2); c.2690+1023G>C (NM_001318829.2); c.2870+1023G>C (NM_001318832.2); short protein forms A950P.
Identifiers: ClinVar variation 318324 (VCV000318324.15), dbSNP rs886051792, ClinGen allele CA10648021.